The following is an entry in ClinVar:

ClinVar aggregate classification (germline): Uncertain significance (1 of 4 stars; one submission).

Submission:

GeneDx
Classification: Uncertain significance. Last evaluated: 2025-07-02. Review status: criteria provided, single submitter. Criteria: GeneDx Variant Classification Process June 2021. Collection method: clinical testing. Allele origin: germline. Affected: yes.
Comment: Not observed at significant frequency in large population cohorts (gnomAD); In silico analysis supports that this missense variant has a deleterious effect on protein structure/function; Has not been previously published as pathogenic or benign to our knowledge

NM_002730.4(PRKACA):c.386T>C (p.Met129Thr)

Gene: PRKACA (protein kinase cAMP-activated catalytic subunit alpha; minus strand). Cytogenetic location: 19p13.12.
Variant type: single nucleotide variant.
Coding change: c.386T>C on transcript NM_002730.4 (MANE Select); coding-DNA position 386, T replaced by C.
Protein change: p.Met129Thr; replaces methionine 129 with threonine.
Molecular consequence: missense variant.
Genome position (GRCh38, 1-based): chr19:14,100,859, A>G on the plus strand (T>C on the coding strand, the complement: PRKACA is on the minus strand). VCF-style: chr19-14100859-A-G. GRCh37 (hg19) VCF-style: chr19-14211671-A-G.
Other names: c.614T>C, p.Met205Thr (NM_001304349.2); c.362T>C, p.Met121Thr (NM_207518.3); short protein forms M121T, M129T, M205T.
Identifiers: ClinVar variation 4681127 (VCV004681127.1).
Genomic context (GRCh38, chr19:14,100,859, plus strand): 5'-TGATGTGATGGGGGGTGGCCCGCTTACCTGAACCTTCCGATCCGCCGTAGGTGTGAGAAC[A>G]TCTCCCCGCCGGGCACGTACTCCATGACCATGTATAAGTTTGAGTTGTCCTGTGGGAAGC-3'
Protein context (NP_002721.1, residues 119-139): MVMEYVPGGE[Met129Thr]FSHLRRIGRF